The following is an entry in ClinVar:

ClinVar aggregate classification (germline): Uncertain significance (1 of 4 stars; one submission).

Conditions:
Hereditary cancer-predisposing syndrome. Also called: Hereditary Cancer Syndrome; Hereditary neoplastic syndrome; Neoplastic Syndromes, Hereditary; Tumor predisposition. Identifiers: Orphanet 140162, MedGen C0027672, MeSH D009386, MONDO:0015356.

Submission:

Ambry Genetics
Classification: Uncertain significance for Hereditary cancer-predisposing syndrome. Last evaluated: 2026-08-07. Review status: criteria provided, single submitter. Criteria: Ambry Variant Classification Scheme 2023. Collection method: clinical testing. Allele origin: germline.
Comment: The p.E41K variant (also known as c.121G>A), located in coding exon 2 of the PMS2 gene, results from a G to A substitution at nucleotide position 121. The glutamic acid at codon 41 is replaced by lysine, an amino acid with similar properties. This amino acid position is highly conserved in available vertebrate species. In addition, this alteration is predicted to be deleterious by in silico analysis. Based on the available evidence, the clinical significance of this variant remains unclear.

NM_000535.7(PMS2):c.121G>A (p.Glu41Lys)

Gene: PMS2 (PMS1 homolog 2, mismatch repair system component; minus strand). Cytogenetic location: 7p22.1.
Variant type: single nucleotide variant.
Coding change: c.121G>A on transcript NM_000535.7 (MANE Select); coding-DNA position 121, G replaced by A.
Protein change: p.Glu41Lys; replaces glutamic acid 41 with lysine.
Molecular consequence: missense variant. On other transcripts: non-coding transcript variant (1), intron variant (3), 5 prime UTR variant (8).
Genome position (GRCh38, 1-based): chr7:6,005,934, C>T on the plus strand (G>A on the coding strand, the complement: PMS2 is on the minus strand). VCF-style: chr7-6005934-C-T. GRCh37 (hg19) VCF-style: chr7-6045565-C-T.
Other names: c.-232G>A (NM_001406904.1, NM_001406907.1, NM_001406909.1 and 5 more transcripts); c.-285G>A (NM_001406905.1, NM_001406906.1, NM_001406908.1 and 11 more transcripts); c.121G>A, p.Glu41Lys (NM_001406912.1, NM_001322006.2, NM_001322014.2 and 10 more transcripts); c.-52-1876G>A (NM_001322008.2); c.-242-1876G>A (NM_001322010.2, NM_001322004.2); c.-95G>A (NM_001322007.2, NM_001406876.1, NM_001406883.1 and 4 more transcripts); c.-764G>A (NM_001322011.2, NM_001322012.2); c.-364G>A (NM_001322015.2, NM_001406875.1, NM_001406877.1 and 2 more transcripts); and 4 more; short protein forms E41K, E103K.
Identifiers: ClinVar variation 1752776 (VCV001752776.3), dbSNP rs3209663, ClinGen allele CA153249655.